The following is an entry in ClinVar:

ClinVar aggregate classification (germline): Uncertain significance (1 of 4 stars; one submission).

gnomAD v4.1: 2 of 1,611,556 alleles (0.00012%); highest among the groups gnomAD compares: Admixed American, 0.0017%; no homozygotes.

Submission:

Clinical Genomics Laboratory, Stanford Medicine
Classification: Uncertain significance. Last evaluated: 2023-05-01. Review status: criteria provided, single submitter. Criteria: ACMG Guidelines, 2015. Collection method: clinical testing. Allele origin: germline. Observed: 1 variant allele, 1 heterozygote.
Comment: The c.1264+4C>T variant in the TNNI3K gene has not been previously reported in association with disease. This variant has been identified in 2/34388 Latino/Admixed chromosomes by the Genome Aggregation Database. This variant occurs in the 5’ splice site and computational tools do not consistently predict an impact to splicing; however, the accuracy of these computational tools is limited. These data were assessed using the ACMG/AMP variant interpretation guidelines. In summary, the significance of the c.1264+4C>T variant is uncertain. Additional information is needed to resolve the significance of this variant. [ACMG evidence codes used: PM2]

NM_015978.3(TNNI3K):c.1264+4C>T

Genes: FPGT-TNNI3K (FPGT-TNNI3K readthrough; plus strand), TNNI3K (TNNI3 interacting kinase; plus strand). Cytogenetic location: 1p31.1.
Variant type: single nucleotide variant.
Coding change: c.1264+4C>T on transcript NM_015978.3 (MANE Select); 4 bases into the intron after coding-DNA position 1264, C replaced by T.
Molecular consequence: intron variant.
Genome position (GRCh38, 1-based): chr1:74,367,346, C>T. VCF-style: chr1-74367346-C-T. GRCh37 (hg19) VCF-style: chr1-74833030-C-T.
Other names: c.1567+4C>T (NM_001112808.3, NM_001199327.2).
Identifiers: ClinVar variation 3731622 (VCV003731622.1).
Genomic context (GRCh38, chr1:74,367,346, plus strand): 5'-ATTATAAGAGACCACAAGATGAATTGCCCTGTAATGAATATTCTCAGCCTGGAGGAGGTA[C>T]CCCTTTTCTTATTCAGTTTTCATTATTGTATAATATATTGTGCCTAAAGGTAAACCTGTG-3'